The following is an entry in ClinVar:

NM_005629.4(SLC6A8):c.1016+12C>T

Gene: SLC6A8 (solute carrier family 6 member 8; plus strand). Cytogenetic location: Xq28.
Variant type: single nucleotide variant.
Coding change: c.1016+12C>T on transcript NM_005629.4 (MANE Select); 12 bases into the intron after coding-DNA position 1016, C replaced by T.
Molecular consequence: intron variant.
Genome position (GRCh38, 1-based): chrX:153,693,378, C>T. VCF-style: chrX-153693378-C-T. GRCh37 (hg19) VCF-style: chrX-152958833-C-T.
Other names: c.1016+12C>T (NM_001142805.2); c.671+12C>T (NM_001142806.1).
Identifiers: ClinVar variation 379399 (VCV000379399.10), dbSNP rs182984520, ClinGen allele CA10549377.

ClinVar aggregate classification (germline): Benign/Likely benign. Review status: criteria provided, multiple submitters, no conflicts (2 of 4 stars). 3 submissions from 3 submitters: Benign (1); Likely benign (2). Last evaluated 2026-01-28.

Conditions:
Creatine transporter deficiency (CCDS1). Also called: Mental retardation , X-linked with seizures, short stature and midface hypoplasia; Mental retardation , X-linked, with creatine transport deficiency; X-linked creatine transporter deficiency; X-linked creatine deficiency syndrome; SLC6A8-Related Creatine Transporter Deficiency; CREATINE TRANSPORTER DEFECT. Identifiers: Orphanet 52503, MedGen C1845862, MONDO:0010305, OMIM 300352.

Allele frequency attached by ClinVar (database versions not stated): ExAC 0.00005; gnomAD 0.00014; TOPMed 0.00024; 1000 Genomes Project 30x 0.00042; 1000 Genomes Project 0.00053.
gnomAD v4.1: 53 of 1,203,648 alleles (0.0044%); highest among the groups gnomAD compares: Admixed American, 0.039%; no homozygotes.

Submissions (3):

Labcorp Genetics (formerly Invitae), Labcorp
Classification: Benign for Creatine transporter deficiency. Last evaluated: 2026-01-28. Review status: criteria provided, single submitter. Criteria: Invitae Variant Classification Sherloc (09022015). Collection method: clinical testing. Allele origin: germline.

Blueprint Genetics
Classification: Likely benign. Last evaluated: 2023-11-30. Review status: criteria provided, single submitter. Criteria: ACMG Guidelines, 2015. Collection method: clinical testing. Allele origin: germline.

GeneDx
Classification: Likely benign. Last evaluated: 2016-06-20. Review status: criteria provided, single submitter. Criteria: GeneDx Variant Classification (06012015). Collection method: clinical testing. Allele origin: germline. Affected: yes.
Comment: This variant is considered likely benign or benign based on one or more of the following criteria: it is a conservative change, it occurs at a poorly conserved position in the protein, it is predicted to be benign by multiple in silico algorithms, and/or has population frequency not consistent with disease.